The following is an entry in ClinVar:

ClinVar aggregate classification (germline): Uncertain significance. Review status: criteria provided, multiple submitters, no conflicts (2 of 4 stars). 2 submissions from 2 submitters: Uncertain significance (2). Last evaluated 2022-06-30.

Conditions:
Retinitis pigmentosa (RP). Identifiers: Orphanet 791, MedGen C0035334, MeSH D012174, MONDO:0019200, OMIM 268000. Inheritance: Autosomal dominant, autosomal recessive and X linked inheritance.

Allele frequency attached by ClinVar (database versions not stated): gnomAD 0.00001; gnomAD exomes 0.00001 and 0.00002; ExAC 0.00003; TOPMed 0.00004.
gnomAD v4.1: 20 of 1,593,102 alleles (0.0013%); highest among the groups gnomAD compares: East Asian, 0.018%; no homozygotes.

Submissions (2):

Labcorp Genetics (formerly Invitae), Labcorp
Classification: Uncertain significance. Last evaluated: 2022-06-30. Review status: criteria provided, single submitter. Criteria: Invitae Variant Classification Sherloc (09022015). Collection method: clinical testing. Allele origin: germline.
Comment: In summary, the available evidence is currently insufficient to determine the role of this variant in disease. Therefore, it has been classified as a Variant of Uncertain Significance. Algorithms developed to predict the effect of missense changes on protein structure and function are either unavailable or do not agree on the potential impact of this missense change (SIFT: "Tolerated"; PolyPhen-2: "Probably Damaging"; Align-GVGD: "Class C0"). ClinVar contains an entry for this variant (Variation ID: 901964). This variant has not been reported in the literature in individuals affected with CNGA1-related conditions. This variant is present in population databases (rs776929323, gnomAD 0.007%). This sequence change replaces arginine, which is basic and polar, with glutamine, which is neutral and polar, at codon 218 of the CNGA1 protein (p.Arg218Gln).

Illumina Laboratory Services, Illumina
Classification: Uncertain significance for Retinitis pigmentosa. Last evaluated: 2018-01-13. Review status: criteria provided, single submitter. Criteria: ICSL Variant Classification Criteria 13 December 2019. Collection method: clinical testing. Allele origin: germline.

NM_001379270.1(CNGA1):c.641G>A (p.Arg214Gln)

Genes: CNGA1 (cyclic nucleotide gated channel subunit alpha 1; minus strand), LOC101927157 (uncharacterized LOC101927157; plus strand). Cytogenetic location: 4p12.
Variant type: single nucleotide variant.
Coding change: c.641G>A on transcript NM_001379270.1 (MANE Select); coding-DNA position 641, G replaced by A.
Protein change: p.Arg214Gln; replaces arginine 214 with glutamine.
Molecular consequence: missense variant.
Genome position (GRCh38, 1-based): chr4:47,940,774, C>T on the plus strand (G>A on the coding strand, the complement: CNGA1 is on the minus strand). VCF-style: chr4-47940774-C-T. GRCh37 (hg19) VCF-style: chr4-47942791-C-T.
Other names: c.641G>A, p.Arg214Gln (NM_000087.5, NM_001142564.2); short protein forms R214Q.
Identifiers: ClinVar variation 901964 (VCV000901964.8), dbSNP rs776929323, ClinGen allele CA2911225.